The following is an entry in ClinVar:

ClinVar aggregate classification (germline): Conflicting classifications of pathogenicity. Review status: criteria provided, conflicting classifications (1 of 4 stars). 2 submissions from 2 submitters: Uncertain significance (1); Likely benign (1). Last evaluated 2025-05-13.

Conditions:
Arrhythmogenic cardiomyopathy with wooly hair and keratoderma. Also called: Carvajal syndrome; Arrhythmogenic cardiomyopathy with woolly hair and keratoderma; PALMOPLANTAR KERATODERMA WITH LEFT VENTRICULAR CARDIOMYOPATHY AND WOOLLY HAIR; Dilated cardiomyopathy with woolly hair and keratoderma. Identifiers: Orphanet 65282, MedGen C1854063, MONDO:0011581, OMIM 605676.
Arrhythmogenic right ventricular dysplasia 8 (ARVD8). Also called: Arrhythmogenic Right Ventricular Dysplasia/Cardiomyopathy 8; ARRHYTHMOGENIC RIGHT VENTRICULAR DYSPLASIA, FAMILIAL, 8; ARRHYTHMOGENIC RIGHT VENTRICULAR CARDIOMYOPATHY 8. Identifiers: MedGen C1843896, MONDO:0011831, OMIM 607450.
Cardiovascular phenotype. Identifiers: MedGen CN230736.

Allele frequency attached by ClinVar (database versions not stated): gnomAD exomes below 0.00001; gnomAD 0.00001; TOPMed 0.00001.
gnomAD v4.1: 3 of 1,613,116 alleles (0.00019%); highest among the groups gnomAD compares: African/African-American, 0.0027%; no homozygotes.

Submissions (2):

Labcorp Genetics (formerly Invitae), Labcorp
Classification: Likely benign for Arrhythmogenic cardiomyopathy with wooly hair and keratoderma; Arrhythmogenic right ventricular dysplasia 8. Last evaluated: 2025-05-13. Review status: criteria provided, single submitter. Criteria: Invitae Variant Classification Sherloc (09022015). Collection method: clinical testing. Allele origin: germline.

Ambry Genetics
Classification: Uncertain significance for Cardiovascular phenotype. Last evaluated: 2023-08-25. Review status: criteria provided, single submitter. Criteria: Ambry Variant Classification Scheme 2023. Collection method: clinical testing. Allele origin: germline.
Comment: The p.K943N variant (also known as c.2829A>C), located in coding exon 20 of the DSP gene, results from an A to C substitution at nucleotide position 2829. The lysine at codon 943 is replaced by asparagine, an amino acid with similar properties. This amino acid position is conserved. In addition, this alteration is predicted to be tolerated by in silico analysis. Since supporting evidence is limited at this time, the clinical significance of this alteration remains unclear.

NM_004415.4(DSP):c.2829A>C (p.Lys943Asn)

Gene: DSP (desmoplakin; plus strand). Cytogenetic location: 6p24.3.
Variant type: single nucleotide variant.
Coding change: c.2829A>C on transcript NM_004415.4 (MANE Select); coding-DNA position 2829, A replaced by C.
Protein change: p.Lys943Asn; replaces lysine 943 with asparagine.
Molecular consequence: missense variant.
Genome position (GRCh38, 1-based): chr6:7,576,994, A>C. VCF-style: chr6-7576994-A-C. GRCh37 (hg19) VCF-style: chr6-7577227-A-C.
Other names: c.2829A>C, p.Lys943Asn (NM_001008844.3, NM_001319034.2); short protein forms K943N.
Identifiers: ClinVar variation 2587397 (VCV002587397.4), dbSNP rs986339609, ClinGen allele CA133964632.
Genomic context (GRCh38, chr6:7,576,994, plus strand): 5'-GGTAAATATTTCACTTTTTGTATAGAACTTGCACAGTGAAATATCTGGCAAACGAGACAA[A>C]TCAGAGGAAGTACAAAAAATTGCTGAACTTTGCGCCAATTCAATTAAGGTATGTTGGTTT-3'
Protein context (NP_004406.2, residues 933-953): LHSEISGKRD[Lys943Asn]SEEVQKIAEL